The following is an entry in ClinVar:

NM_001378418.1(TCF20):c.4118C>T (p.Ala1373Val)

Gene: TCF20 (transcription factor 20; minus strand). Cytogenetic location: 22q13.2.
Variant type: single nucleotide variant.
Coding change: c.4118C>T on transcript NM_001378418.1 (MANE Select); coding-DNA position 4118, C replaced by T.
Protein change: p.Ala1373Val; replaces alanine 1373 with valine.
Molecular consequence: missense variant.
Genome position (GRCh38, 1-based): chr22:42,211,188, G>A on the plus strand (C>T on the coding strand, the complement: TCF20 is on the minus strand). VCF-style: chr22-42211188-G-A. GRCh37 (hg19) VCF-style: chr22-42607194-G-A.
Other names: c.4118C>T, p.Ala1373Val (NM_005650.4, NM_181492.3); short protein forms A1373V.
Identifiers: ClinVar variation 2708768 (VCV002708768.17), dbSNP rs148859074, ClinGen allele CA10266714.

ClinVar aggregate classification (germline): Likely benign. Review status: criteria provided, multiple submitters, no conflicts (2 of 4 stars). 2 submissions from 2 submitters: Likely benign (2). Last evaluated 2026-01-07.

Allele frequency attached by ClinVar (database versions not stated): gnomAD 0.00011; gnomAD exomes 0.00011; ExAC 0.00012; TOPMed 0.00012; 1000 Genomes Project 30x 0.00016; 1000 Genomes Project 0.00020; ESP Exome Variant Server 0.00023.
gnomAD v4.1: 180 of 1,614,028 alleles (0.011%); highest among the groups gnomAD compares: Middle Eastern, 0.15%; 1 homozygote.

Submissions (2):

Labcorp Genetics (formerly Invitae), Labcorp
Classification: Likely benign. Last evaluated: 2026-01-07. Review status: criteria provided, single submitter. Criteria: Invitae Variant Classification Sherloc (09022015). Collection method: clinical testing. Allele origin: germline.

CeGaT Center for Human Genetics Tuebingen
Classification: Likely benign. Last evaluated: 2024-11-01. Review status: criteria provided, single submitter. Criteria: CeGaT Center For Human Genetics Tuebingen Variant Classification Criteria Version 2. Collection method: clinical testing. Allele origin: germline. Affected: yes. Observed: 1 variant allele.
Comment: TCF20: BP4, BS2